The following is an entry in ClinVar:

ClinVar aggregate classification (germline): Uncertain significance (1 of 4 stars; one submission).

gnomAD v4.1: 30 of 1,130,170 alleles (0.0027%); highest among the groups gnomAD compares: African/African-American, 0.0032%; no homozygotes.

Submission:

Labcorp Genetics (formerly Invitae), Labcorp
Classification: Uncertain significance. Last evaluated: 2024-06-05. Review status: criteria provided, single submitter. Criteria: Invitae Variant Classification Sherloc (09022015). Collection method: clinical testing. Allele origin: germline.
Comment: This sequence change replaces valine, which is neutral and non-polar, with methionine, which is neutral and non-polar, at codon 542 of the COL9A2 protein (p.Val542Met). The frequency data for this variant in the population databases is considered unreliable, as metrics indicate poor data quality at this position in the gnomAD database. This variant has not been reported in the literature in individuals affected with COL9A2-related conditions. Advanced modeling of protein sequence and biophysical properties (such as structural, functional, and spatial information, amino acid conservation, physicochemical variation, residue mobility, and thermodynamic stability) performed at Invitae indicates that this missense variant is not expected to disrupt COL9A2 protein function with a negative predictive value of 95%. In summary, the available evidence is currently insufficient to determine the role of this variant in disease. Therefore, it has been classified as a Variant of Uncertain Significance.

NM_001852.4(COL9A2):c.1624G>A (p.Val542Met)

Gene: COL9A2 (collagen type IX alpha 2 chain; minus strand). Cytogenetic location: 1p34.2.
Variant type: single nucleotide variant.
Coding change: c.1624G>A on transcript NM_001852.4 (MANE Select); coding-DNA position 1624, G replaced by A.
Protein change: p.Val542Met; replaces valine 542 with methionine.
Molecular consequence: missense variant.
Genome position (GRCh38, 1-based): chr1:40,302,789, C>T on the plus strand (G>A on the coding strand, the complement: COL9A2 is on the minus strand). VCF-style: chr1-40302789-C-T. GRCh37 (hg19) VCF-style: chr1-40768461-C-T.
Other names: short protein forms V542M.
Identifiers: ClinVar variation 3606518 (VCV003606518.2).